The following is an entry in ClinVar:

ClinVar aggregate classification (germline): Pathogenic. Review status: criteria provided, multiple submitters, no conflicts (2 of 4 stars). 4 submissions from 4 submitters: Pathogenic (3). 1 of the submissions does not count toward it. Last evaluated 2025-11-01.

Conditions:
Intellectual developmental disorder with autism and macrocephaly. Also called: CHD8-Related Neurodevelopmental Disorder with Overgrowth; Autism, susceptibility to, 18. Identifiers: Orphanet 642675, MedGen C3554373, MONDO:0014017, OMIM 615032.

Submissions (4):

CeGaT Center for Human Genetics Tuebingen
Classification: Pathogenic. Last evaluated: 2025-11-01. Review status: criteria provided, single submitter. Criteria: CeGaT Center For Human Genetics Tuebingen Variant Classification Criteria Version 2. Collection method: clinical testing. Allele origin: germline. Affected: yes. Observed: 1 variant allele.
Comment: CHD8: PVS1, PM2

GeneDx
Classification: Pathogenic. Last evaluated: 2024-01-31. Review status: criteria provided, single submitter. Criteria: GeneDx Variant Classification Process June 2021. Collection method: clinical testing. Allele origin: germline. Affected: yes.
Comment: Nonsense variant predicted to result in protein truncation or nonsense mediated decay in a gene for which loss of function is a known mechanism of disease; Not observed at significant frequency in large population cohorts (gnomAD); This variant is associated with the following publications: (PMID: 28191890, 31332282, 25363768, 30107084, 28714951, 31981491, 34088660, 31785789, 36182950, 35982160, 35904121, 35982159, 23160955)

Centre for Mendelian Genomics, University Medical Centre Ljubljana
Classification: Pathogenic for Intellectual developmental disorder with autism and macrocephaly. Last evaluated: 2016-01-01. Review status: criteria provided, single submitter. Criteria: ACMG Guidelines, 2015. Collection method: clinical testing. Allele origin: unknown. Affected: yes.
Comment: This variant was classified as: Pathogenic. The following ACMG criteria were applied in classifying this variant: PVS1,PM2,PP3.

OMIM
Classification: Pathogenic for INTELLECTUAL DEVELOPMENTAL DISORDER WITH AUTISM AND MACROCEPHALY. Last evaluated: 2012-12-21. Review status: no assertion criteria provided. Collection method: literature only. Allele origin: germline. Not counted in ClinVar's aggregate classification.

Literature cited by the submitters: PubMed 23160955 (cited by OMIM).

NM_001170629.2(CHD8):c.4009C>T (p.Arg1337Ter)

Gene: CHD8 (chromodomain helicase DNA binding protein 8; minus strand). Cytogenetic location: 14q11.2.
Variant type: single nucleotide variant.
Coding change: c.4009C>T on transcript NM_001170629.2 (MANE Select); coding-DNA position 4009, C replaced by T.
Protein change: p.Arg1337Ter; replaces arginine 1337 with a stop codon.
Molecular consequence: nonsense.
Genome position (GRCh38, 1-based): chr14:21,402,010, G>A on the plus strand (C>T on the coding strand, the complement: CHD8 is on the minus strand). VCF-style: chr14-21402010-G-A. GRCh37 (hg19) VCF-style: chr14-21870169-G-A.
Other names: c.3172C>T, p.Arg1058Ter (NM_020920.4); short protein forms R1337*, R1058*.
Identifiers: ClinVar variation 39630 (VCV000039630.14), dbSNP rs397514552, ClinGen allele CA130406.